The following is an entry in ClinVar:

NM_001128148.3(TFRC):c.2185A>G (p.Thr729Ala)

Gene: TFRC (transferrin receptor; minus strand). Cytogenetic location: 3q29.
Variant type: single nucleotide variant.
Coding change: c.2185A>G on transcript NM_001128148.3 (MANE Select); coding-DNA position 2185, A replaced by G.
Protein change: p.Thr729Ala; replaces threonine 729 with alanine.
Molecular consequence: missense variant.
Genome position (GRCh38, 1-based): chr3:196,052,040, T>C on the plus strand (A>G on the coding strand, the complement: TFRC is on the minus strand). VCF-style: chr3-196052040-T-C. GRCh37 (hg19) VCF-style: chr3-195778911-T-C.
Other names: c.1942A>G, p.Thr648Ala (NM_001313965.2); c.1339A>G, p.Thr447Ala (NM_001313966.2); c.2185A>G, p.Thr729Ala (NM_003234.4); short protein forms T648A, T447A, T729A.
Identifiers: ClinVar variation 1489754 (VCV001489754.8), dbSNP rs2108632019, ClinGen allele CA355557986.
Genomic context (GRCh38, chr3:196,052,040, plus strand): 5'-GGGCATTTGCAGCTCCCTGAATAGTCCAAGTAGCTAGAGCCAACTGGTTTCTGAACAGCG[T>C]TTCATTAAAAGCACCGTTATTTTGTTTACGCAGTTTCAAGTTCTCCAGTAAAGCTGGCAG-3'
Protein context (NP_001121620.1, residues 719-739): RKQNNGAFNE[Thr729Ala]LFRNQLALAT

ClinVar aggregate classification (germline): Uncertain significance (1 of 4 stars; one submission).

Submission:

Labcorp Genetics (formerly Invitae), Labcorp
Classification: Uncertain significance. Last evaluated: 2024-10-29. Review status: criteria provided, single submitter. Criteria: Invitae Variant Classification Sherloc (09022015). Collection method: clinical testing. Allele origin: germline.
Comment: This sequence change replaces threonine, which is neutral and polar, with alanine, which is neutral and non-polar, at codon 729 of the TFRC protein (p.Thr729Ala). This variant is not present in population databases (gnomAD no frequency). This variant has not been reported in the literature in individuals affected with TFRC-related conditions. ClinVar contains an entry for this variant (Variation ID: 1489754). Invitae Evidence Modeling of protein sequence and biophysical properties (such as structural, functional, and spatial information, amino acid conservation, physicochemical variation, residue mobility, and thermodynamic stability) indicates that this missense variant is not expected to disrupt TFRC protein function with a negative predictive value of 80%. In summary, the available evidence is currently insufficient to determine the role of this variant in disease. Therefore, it has been classified as a Variant of Uncertain Significance.